The following is an entry in ClinVar:

ClinVar aggregate classification (germline): Uncertain significance. Review status: criteria provided, multiple submitters, no conflicts (2 of 4 stars). 4 submissions from 4 submitters: Uncertain significance (4). Last evaluated 2025-01-11.

Conditions:
Cardiovascular phenotype. Identifiers: MedGen CN230736.
Arrhythmogenic right ventricular cardiomyopathy (ARVD). Also called: Arrhythmogenic cardiomyopathy; Arrhythmogenic Right Ventricular Cardiomyopathy (ARVC); Cardiomyopathy, ARVC; Arrhythmogenic right ventricular dysplasia. Identifiers: Orphanet 247, MedGen C0349788, MeSH D019571, MONDO:0016587. Disease mechanism: loss of function. Inheritance: Various modes of inheritance.
Cardiomyopathy (CMYO). Also called: Cardiomyopathies. Identifiers: Orphanet 167848, MedGen C0878544, MONDO:0004994, HP:0001638. Inheritance: Various modes of inheritance.
Arrhythmogenic right ventricular dysplasia 9 (ARVD9). Also called: Arrhythmogenic Right Ventricular Dysplasia/Cardiomyopathy 9; ARRHYTHMOGENIC RIGHT VENTRICULAR DYSPLASIA, FAMILIAL, 9. Identifiers: MedGen C1836906, MONDO:0012180, OMIM 609040.

Allele frequency attached by ClinVar (database versions not stated): gnomAD exomes 0.00001 and 0.00002; gnomAD 0.00002; TOPMed 0.00002.
gnomAD v4.1: 14 of 1,613,882 alleles (0.00087%); highest among the groups gnomAD compares: East Asian, 0.013%; no homozygotes.

Submissions (4):

Labcorp Genetics (formerly Invitae), Labcorp
Classification: Uncertain significance for Arrhythmogenic right ventricular dysplasia 9. Last evaluated: 2025-01-11. Review status: criteria provided, single submitter. Criteria: Invitae Variant Classification Sherloc (09022015). Collection method: clinical testing. Allele origin: germline.
Comment: This sequence change replaces proline, which is neutral and non-polar, with leucine, which is neutral and non-polar, at codon 273 of the PKP2 protein (p.Pro273Leu). This variant is present in population databases (no rsID available, gnomAD 0.03%). This variant has not been reported in the literature in individuals affected with PKP2-related conditions. ClinVar contains an entry for this variant (Variation ID: 581323). An algorithm developed to predict the effect of missense changes on protein structure and function (PolyPhen-2) suggests that this variant¬†is likely to be tolerated. In summary, the available evidence is currently insufficient to determine the role of this variant in disease. Therefore, it has been classified as a Variant of Uncertain Significance.

Ambry Genetics
Classification: Uncertain significance for Cardiovascular phenotype. Last evaluated: 2024-06-14. Review status: criteria provided, single submitter. Criteria: Ambry Variant Classification Scheme 2023. Collection method: clinical testing. Allele origin: germline.
Comment: The p.P273L variant (also known as c.818C>T), located in coding exon 3 of the PKP2 gene, results from a C to T substitution at nucleotide position 818. The proline at codon 273 is replaced by leucine, an amino acid with similar properties. This amino acid position is conserved. In addition, this alteration is predicted to be tolerated by in silico analysis. Based on the available evidence, the clinical significance of this variant remains unclear.

All of Us Research Program, National Institutes of Health
Classification: Uncertain significance for Arrhythmogenic right ventricular cardiomyopathy. Last evaluated: 2024-05-30. Review status: criteria provided, single submitter. Criteria: ACMG Guidelines, 2015. Collection method: clinical testing. Allele origin: germline. Inheritance: Autosomal dominant inheritance. Observed: 2 variant alleles, 2 heterozygotes.
Comment: This missense variant replaces proline with leucine at codon 273 of the PKP2 protein. Computational prediction is inconclusive regarding the impact of this variant on protein structure and function (internally defined REVEL score threshold 0.5 < inconclusive < 0.7, PMID: 27666373). To our knowledge, functional studies have not been reported for this variant. This variant has not been reported in individuals affected with cardiovascular disorders in the literature. This variant has been identified in 6/282414 chromosomes in the general population by the Genome Aggregation Database (gnomAD). The available evidence is insufficient to determine the role of this variant in disease conclusively. Therefore, this variant is classified as a Variant of Uncertain Significance.

This study involves interpretation of variants in research participants for the purpose of population health screening. Participant phenotype was not available at the time of variant classification. Additional details can be found in publication PMID: 35346344, PMCID: PMC8962531

Color Diagnostics, LLC DBA Color Health
Classification: Uncertain significance for Cardiomyopathy. Last evaluated: 2024-03-06. Review status: criteria provided, single submitter. Criteria: ACMG Guidelines, 2015. Collection method: clinical testing. Allele origin: germline.
Comment: This missense variant replaces proline with leucine at codon 273 of the PKP2 protein. Computational prediction is inconclusive regarding the impact of this variant on protein structure and function (internally defined REVEL score threshold 0.5 < inconclusive < 0.7, PMID: 27666373). To our knowledge, functional studies have not been reported for this variant. This variant has not been reported in individuals affected with cardiovascular disorders in the literature. This variant has been identified in 6/282414 chromosomes in the general population by the Genome Aggregation Database (gnomAD). The available evidence is insufficient to determine the role of this variant in disease conclusively. Therefore, this variant is classified as a Variant of Uncertain Significance.

NM_001005242.3(PKP2):c.818C>T (p.Pro273Leu)

Gene: PKP2 (plakophilin 2; minus strand). Cytogenetic location: 12p11.21.
Variant type: single nucleotide variant.
Coding change: c.818C>T on transcript NM_001005242.3 (MANE Select); coding-DNA position 818, C replaced by T.
Protein change: p.Pro273Leu; replaces proline 273 with leucine.
Molecular consequence: missense variant.
Genome position (GRCh38, 1-based): chr12:32,878,062, G>A on the plus strand (C>T on the coding strand, the complement: PKP2 is on the minus strand). VCF-style: chr12-32878062-G-A. GRCh37 (hg19) VCF-style: chr12-33030996-G-A.
Other names: c.818C>T, p.Pro273Leu (NM_004572.4); short protein forms P273L.
Identifiers: ClinVar variation 581323 (VCV000581323.10), dbSNP rs878943755, ClinGen allele CA235266142.